The following is an entry in ClinVar:

ClinVar aggregate classification (germline): Pathogenic/Likely pathogenic. Review status: criteria provided, multiple submitters, no conflicts (2 of 4 stars). 3 submissions from 3 submitters: Pathogenic (1); Likely pathogenic (2). Last evaluated 2025-04-23.

Conditions:
Idiopathic basal ganglia calcification 1 (PFBC1A). Also called: Familial Idiopathic Basal Ganglia Calcification 2; Familial Idiopathic Basal Ganglia Calcification 3; Primary Familial Brain Calcification; PRIMARY FAMILIAL BRAIN CALCIFICATION 1A, AUTOSOMAL DOMINANT; Fahr's syndrome; Cerebral calcification nonarteriosclerotic idiopathic adult-onset. Identifiers: Orphanet 1980, MedGen C4551624, MONDO:0024538, OMIM 213600.
SLC20A2-related disorder. Also called: SLC20A2-related condition.

Allele frequency attached by ClinVar (database versions not stated): gnomAD exomes below 0.00001.
gnomAD v4.1: 1 of 1,614,144 alleles (0.000062%); highest among the groups gnomAD compares: East Asian, 0.0022%; no homozygotes.

Submissions (3):

3billion
Classification: Likely pathogenic for Idiopathic basal ganglia calcification 1. Last evaluated: 2025-04-23. Review status: criteria provided, single submitter. Criteria: ACMG Guidelines, 2015. Collection method: clinical testing. Allele origin: germline. Affected: yes.

PreventionGenetics, part of Exact Sciences
Classification: Pathogenic for SLC20A2-related condition. Last evaluated: 2022-10-03. Review status: criteria provided, single submitter. Criteria: ACMG Guidelines, 2015. Collection method: clinical testing. Allele origin: germline.
Comment: The SLC20A2 c.82G>A variant is predicted to result in the amino acid substitution p.Asp28Asn. This variant has been reported to be causative for idiopathic basal ganglia calcification (IBGC) (Nishii et al. 2019. PubMed ID: 31754123; Chen et al 2013. PubMed ID: 23939468). Functional studies suggest this variant exerts a dominant negative effect on the wild-type protein (Larsen et al. 2017. PubMed ID: 27943094). This variant has not been reported in a large population database, indicating this variant is rare. This variant is interpreted as pathogenic.

GeneDx
Classification: Likely pathogenic. Last evaluated: 2016-06-20. Review status: criteria provided, single submitter. Criteria: GeneDx Variant Classification (06012015). Collection method: clinical testing. Allele origin: germline. Affected: yes.
Comment: The D28N variant in the SLC20A2 gene has been reported previously in two individuals with idiopathic basal ganglia calcification, however familial segregation information was not included for either patient (Chen et al., 2013; Nicolas et al., 2013). The D28N variant was not observed in approximately 6500 individuals of European and African American ancestry in the NHLBI Exome Sequencing Project, indicating it is not a common benign variant in these populations. The D28N variant is a semi-conservative amino acid substitution, which may impact secondary protein structure as these residues differ in some properties. This substitution occurs at a position that is conserved across species. Additionally, studies in frog oocytes indicate that the D28N variant results in knocked-out sodium-dependent phosphate cotransporter function (Bottger et al., 2005). The D28N variant is a strong candidate for a pathogenic variant; however, the possibility it may be a rare benign variant cannot be excluded.

Literature cited by the submitters: PubMed 31754123 (cited by 3billion); PubMed 23939468 (cited by 3billion).

NM_001257180.2(SLC20A2):c.82G>A (p.Asp28Asn)

Gene: SLC20A2 (solute carrier family 20 member 2; minus strand). Cytogenetic location: 8p11.21.
Variant type: single nucleotide variant.
Coding change: c.82G>A on transcript NM_001257180.2 (MANE Select); coding-DNA position 82, G replaced by A.
Protein change: p.Asp28Asn; replaces aspartic acid 28 with asparagine.
Molecular consequence: missense variant.
Genome position (GRCh38, 1-based): chr8:42,472,309, C>T on the plus strand (G>A on the coding strand, the complement: SLC20A2 is on the minus strand). VCF-style: chr8-42472309-C-T. GRCh37 (hg19) VCF-style: chr8-42329827-C-T.
Other names: c.82G>A, p.Asp28Asn (NM_001257181.2, NM_006749.5); c.82G>A (NM_001257180.1); short protein forms D28N.
Identifiers: ClinVar variation 372804 (VCV000372804.3), dbSNP rs1554561099, ClinGen allele CA16042725.